The following is an entry in ClinVar:

ClinVar aggregate classification (germline): Uncertain significance (1 of 4 stars; one submission).

Conditions:
Melanoma, cutaneous malignant, susceptibility to, 5. Also called: Cutaneous malignant melanoma 5. Identifiers: Orphanet 618, MedGen C2751295, MONDO:0013133, OMIM 613099.

Allele frequency attached by ClinVar (database versions not stated): ExAC 0.00001.

Submission:

Labcorp Genetics (formerly Invitae), Labcorp
Classification: Uncertain significance for Melanoma, cutaneous malignant, susceptibility to, 5. Last evaluated: 2023-08-07. Review status: criteria provided, single submitter. Criteria: Invitae Variant Classification Sherloc (09022015). Collection method: clinical testing. Allele origin: germline.
Comment: This sequence change replaces aspartic acid, which is acidic and polar, with glycine, which is neutral and non-polar, at codon 184 of the MC1R protein (p.Asp184Gly). In summary, the available evidence is currently insufficient to determine the role of this variant in disease. Therefore, it has been classified as a Variant of Uncertain Significance. Advanced modeling of protein sequence and biophysical properties (such as structural, functional, and spatial information, amino acid conservation, physicochemical variation, residue mobility, and thermodynamic stability) performed at Invitae indicates that this missense variant is not expected to disrupt MC1R protein function. This missense change has been observed in individual(s) with melanoma (PMID: 18983535). The frequency data for this variant in the population databases is considered unreliable, as metrics indicate poor data quality at this position in the gnomAD database.

Literature cited by the submitters: PubMed 18983535.

NM_002386.4(MC1R):c.551A>G (p.Asp184Gly)

Gene: MC1R (melanocortin 1 receptor; plus strand). Cytogenetic location: 16q24.3.
Variant type: single nucleotide variant.
Coding change: c.551A>G on transcript NM_002386.4 (MANE Select); coding-DNA position 551, A replaced by G.
Protein change: p.Asp184Gly; replaces aspartic acid 184 with glycine.
Molecular consequence: missense variant.
Genome position (GRCh38, 1-based): chr16:89,919,809, A>G. VCF-style: chr16-89919809-A-G. GRCh37 (hg19) VCF-style: chr16-89986217-A-G.
Other names: short protein forms D184G.
Identifiers: ClinVar variation 2886256 (VCV002886256.3), dbSNP rs748173401, ClinGen allele CA8255659.